The following is an entry in ClinVar:

ClinVar aggregate classification (germline): Likely benign (1 of 4 stars; one submission).

Conditions:
Familial thoracic aortic aneurysm and aortic dissection (TAAD). Also called: Thoracic aortic aneurysms and dissections. Identifiers: Orphanet 91387, MedGen C4707243, MONDO:0019625.

Submission:

All of Us Research Program, National Institutes of Health
Classification: Likely benign for Familial thoracic aortic aneurysm and aortic dissection. Last evaluated: 2024-02-22. Review status: criteria provided, single submitter. Criteria: ACMG Guidelines, 2015. Collection method: clinical testing. Allele origin: germline. Inheritance: Autosomal dominant inheritance. Observed: 1 variant allele, 1 heterozygote.
Comment: This study involves interpretation of variants in research participants for the purpose of population health screening. Participant phenotype was not available at the time of variant classification. Additional details can be found in publication PMID: 35346344, PMCID: PMC8962531

NM_002474.3(MYH11):c.4719G>A (p.Lys1573=)

Genes: MYH11 (myosin heavy chain 11; minus strand), NDE1 (nudE neurodevelopment protein 1; plus strand). Cytogenetic location: 16p13.11.
Variant type: single nucleotide variant.
Coding change: c.4719G>A on transcript NM_002474.3 (MANE Select); coding-DNA position 4719, G replaced by A.
Protein change: p.Lys1573=; no amino-acid change (lysine 1573 retained).
Molecular consequence: synonymous variant. On other transcripts: intron variant (2).
Genome position (GRCh38, 1-based): chr16:15,720,911, C>T on the plus strand (G>A on the coding strand, the complement: MYH11 is on the minus strand). VCF-style: chr16-15720911-C-T. GRCh37 (hg19) VCF-style: chr16-15814768-C-T.
Other names: c.4740G>A, p.Lys1580= (NM_001040113.2, NM_001040114.2); c.4719G>A, p.Lys1573= (NM_022844.3); c.948-3280C>T (NM_001143979.2, NM_017668.3).
Identifiers: ClinVar variation 3387174 (VCV003387174.1).
Genomic context (GRCh38, chr16:15,720,911, plus strand): 5'-TTGCCTCCTCTTCTCCTCATTCTGCTCGTCCCGGGCTTGGAGATCCCTTTCGAACTGGCC[C>T]TTGAGCGCCTGCATGTTGACTTCCAGCCGCAGTTTGGCGTCCTCCGTGGCTTGCAGCTCG-3'
Protein context (NP_002465.1, residues 1563-1583): LRLEVNMQAL[Lys1573=]GQFERDLQAR